The following is an entry in ClinVar:

ClinVar aggregate classification (germline): Conflicting classifications of pathogenicity. Review status: criteria provided, conflicting classifications (1 of 4 stars). 5 submissions from 5 submitters: Uncertain significance (1); Benign (1); Likely benign (2). 1 of the submissions does not count toward it. Last evaluated 2025-12-06.

Conditions:
Inborn genetic diseases. Identifiers: MedGen C0950123, MeSH D030342.
ARID1B-Related Disorder. Identifiers: MedGen CN381337.
Coffin-Siris syndrome 1 (CSS1). Also called: Mental retardation, autosomal dominant 12; ARID1B-Related Coffin-Siris Syndrome. Identifiers: Orphanet 1465, MedGen C3281201, MONDO:0007617, OMIM 135900. Disease mechanism: gain of function.

Submissions (5):

Labcorp Genetics (formerly Invitae), Labcorp
Classification: Likely benign. Last evaluated: 2025-12-06. Review status: criteria provided, single submitter. Criteria: Invitae Variant Classification Sherloc (09022015). Collection method: clinical testing. Allele origin: germline.

GeneDx
Classification: Benign. Last evaluated: 2020-02-26. Review status: criteria provided, single submitter. Criteria: GeneDx Variant Classification Process June 2021. Collection method: clinical testing. Allele origin: germline. Affected: yes.

New York Genome Center
Classification: Uncertain significance for Coffin-Siris syndrome 1. Last evaluated: 2019-11-12. Review status: criteria provided, single submitter. Criteria: NYGC Assertion Criteria 2020. Collection method: clinical testing. Allele origin: germline. Observed: 1 heterozygote. Study: CSER-NYCKidSeq.

Ambry Genetics
Classification: Likely benign for Inborn genetic diseases. Last evaluated: 2017-05-19. Review status: criteria provided, single submitter. Criteria: Ambry Variant Classification Scheme 2023. Collection method: clinical testing. Allele origin: germline.

PreventionGenetics, part of Exact Sciences
Classification: Likely benign for ARID1B-related condition. Last evaluated: 2021-05-04. Review status: no assertion criteria provided. Collection method: clinical testing. Allele origin: germline. Not counted in ClinVar's aggregate classification.
Comment: This variant is classified as likely benign based on ACMG/AMP sequence variant interpretation guidelines (Richards et al. 2015 PMID: 25741868, with internal and published modifications).

NM_001374828.1(ARID1B):c.506ACCACCACCATGCCCACCACC[1] (p.169HHHHAHH[1])

Genes: ARID1B (AT-rich interaction domain 1B; plus strand), LOC115308161 (uncharacterized LOC115308161; minus strand). Cytogenetic location: 6q25.3.
Variant type: Microsatellite.
Coding change: c.506ACCACCACCATGCCCACCACC[1] on transcript NM_001374828.1 (MANE Select); one copy of the 21-base unit ACCACCACCATGCCCACCACC starting at c.506; the reference has two copies in a row; one copy, 21 bases deleted.
Protein change: p.169HHHHAHH[1].
Molecular consequence: inframe deletion.
Genome position (GRCh38, 1-based): chr6:156,778,207-156,778,227, ACCACCACCATGCCCACCACC deleted; deleting any 21 consecutive bases within chr6:156,778,179-156,778,227 gives the same sequence; the position shown is the placement nearest the transcript's 3' end. VCF-style (leftmost placement, unchanged base first): chr6-156778178-GCACCACCACCACCACCATGCC-G. GRCh37 (hg19) VCF-style: chr6-157099312-GCACCACCACCACCACCATGCC-G.
Other names: c.278_298del (NM_001346813.1); c.506ACCACCACCATGCCCACCACC[1], p.169HHHHAHH[1] (NM_001371656.1, NM_001374820.1, NM_017519.3); c.278_298del21 (NM_020732.3); c.278_298delACCACCACCATGCCCACCACC (NM_020732.3).
Identifiers: ClinVar variation 589067 (VCV000589067.18), dbSNP rs767952510, ClinGen allele CA4066631.